The following is an entry in ClinVar:

NM_001126108.2(SLC12A3):c.2746_2753dup (p.Phe918fs)

Gene: SLC12A3 (solute carrier family 12 member 3; plus strand). Cytogenetic location: 16q13.
Variant type: Duplication.
Coding change: c.2746_2753dup on transcript NM_001126108.2 (MANE Select); coding-DNA positions 2746 to 2753, 8 bases duplicated (GCACCCTT; older notation c.2746_2753dupGCACCCTT).
Protein change: p.Phe918fs; shifts the reading frame from phenylalanine 918.
Molecular consequence: frameshift variant.
Genome position (GRCh38, 1-based): chr16:56,902,398-56,902,405, GCACCCTT duplicated; duplicating any 8 consecutive bases within chr16:56,902,396-56,902,405 gives the same sequence; the c. name uses the placement nearest the transcript's 3' end. VCF-style (leftmost placement, unchanged base first): chr16-56902395-A-ATTGCACCC. GRCh37 (hg19) VCF-style: chr16-56936307-A-ATTGCACCC.
Other names: c.2773_2780dup, p.Phe927fs (NM_000339.3); c.2770_2777dup, p.Phe926fs (NM_001126107.2); c.2743_2750dup, p.Phe917fs (NM_001410896.1); short protein forms F926fs, F918fs, F917fs, F927fs.
Identifiers: ClinVar variation 3697051 (VCV003697051.2).
Genomic context (GRCh38, chr16:56,902,395, plus strand): 5'-TCGTCTCAGCCGGCCTCAACCCACTTTCTCGTCCCCAGCACCAAGAGGTTTGAGGACATG[A>ATTGCACCC]TTGCACCCTTCCGTCTGAATGATGGCTTCAAGGATGAGGCCACTGTCAACGAGATGCGGC-3'

ClinVar aggregate classification (germline): Pathogenic (1 of 4 stars; one submission).

Submission:

Labcorp Genetics (formerly Invitae), Labcorp
Classification: Pathogenic. Last evaluated: 2024-12-02. Review status: criteria provided, single submitter. Criteria: Invitae Variant Classification Sherloc (09022015). Collection method: clinical testing. Allele origin: germline.
Comment: This sequence change creates a premature translational stop signal (p.Phe927Leufs*6) in the SLC12A3 gene. It is expected to result in an absent or disrupted protein product. Loss-of-function variants in SLC12A3 are known to be pathogenic (PMID: 20848653, 22009145, 25841442). This variant is not present in population databases (gnomAD no frequency). This variant has not been reported in the literature in individuals affected with SLC12A3-related conditions. For these reasons, this variant has been classified as Pathogenic.

Literature cited by the submitters: PubMed 20848653; PubMed 22009145; PubMed 25841442.